The following is an entry in ClinVar:

ClinVar aggregate classification (germline): Benign (0 of 4 stars; one submission).

Conditions:
LRP1B-related disorder. Also called: LRP1B-related condition.

Allele frequency attached by ClinVar (database versions not stated): gnomAD exomes 0.17721; ExAC 0.19507; gnomAD 0.23231; TOPMed 0.23620; ESP Exome Variant Server 0.23904; 1000 Genomes Project 0.24501; 1000 Genomes Project 30x 0.25000.
gnomAD v4.1: 294,073 of 1,612,762 alleles (18%); highest among the groups gnomAD compares: African/African-American, 40%; 29,725 homozygotes.

Submission:

PreventionGenetics, part of Exact Sciences
Classification: Benign for LRP1B-related condition. Last evaluated: 2022-08-16. Review status: no assertion criteria provided. Collection method: clinical testing. Allele origin: germline.
Comment: This variant is classified as benign based on ACMG/AMP sequence variant interpretation guidelines (Richards et al. 2015 PMID: 25741868, with internal and published modifications).

NM_018557.3(LRP1B):c.6633A>T (p.Pro2211=)

Gene: LRP1B (LDL receptor related protein 1B; minus strand). Cytogenetic location: 2q22.1.
Variant type: single nucleotide variant.
Coding change: c.6633A>T on transcript NM_018557.3 (MANE Select); coding-DNA position 6633, A replaced by T.
Protein change: p.Pro2211=; no amino-acid change (proline 2211 retained).
Molecular consequence: synonymous variant.
Genome position (GRCh38, 1-based): chr2:140,700,416, T>A on the plus strand (A>T on the coding strand, the complement: LRP1B is on the minus strand). VCF-style: chr2-140700416-T-A. GRCh37 (hg19) VCF-style: chr2-141457985-T-A.
Identifiers: ClinVar variation 3059582 (VCV003059582.2), dbSNP rs13431727, ClinGen allele CA1894537.